The following is an entry in ClinVar:

NM_152305.3(POGLUT1):c.-2C>G

Gene: POGLUT1 (protein O-glucosyltransferase 1; plus strand). Cytogenetic location: 3q13.33.
Variant type: single nucleotide variant.
Coding change: c.-2C>G on transcript NM_152305.3 (MANE Select); 2 bases upstream of the start codon, C replaced by G.
Molecular consequence: 5 prime UTR variant. On other transcripts: non-coding transcript variant (1).
Genome position (GRCh38, 1-based): chr3:119,469,020, C>G. VCF-style: chr3-119469020-C-G. GRCh37 (hg19) VCF-style: chr3-119187867-C-G.
Identifiers: ClinVar variation 4684713 (VCV004684713.1).

ClinVar aggregate classification (germline): Benign (1 of 4 stars; one submission).

gnomAD v4.1: 421 of 1,607,100 alleles (0.026%); highest among the groups gnomAD compares: East Asian, 0.84%; 5 homozygotes.

Submission:

Mayo Clinic Laboratories, Mayo Clinic
Classification: Benign. Last evaluated: 2025-10-03. Review status: criteria provided, single submitter. Criteria: ACMG Guidelines, 2015. Collection method: clinical testing. Allele origin: germline. Observed: 1 variant allele.
Comment: BA1, BS2